The following is an entry in ClinVar:

ClinVar aggregate classification (germline): Pathogenic (1 of 4 stars; one submission).

Conditions:
Maple syrup urine disease (MSUD). Identifiers: Orphanet 511, MedGen C0024776, MeSH D008375, MONDO:0009563. Disease mechanism: loss of function.

Submission:

Labcorp Genetics (formerly Invitae), Labcorp
Classification: Pathogenic for Maple syrup urine disease. Last evaluated: 2023-11-08. Review status: criteria provided, single submitter. Criteria: Invitae Variant Classification Sherloc (09022015). Collection method: clinical testing. Allele origin: unknown.
Comment: A gross deletion of the genomic region encompassing the full coding sequence of the BCKDHB gene has been identified. Loss-of-function variants in BCKDHB are known to be pathogenic (PMID: 16786533, 22593002). The boundaries of this event are unknown as they extend beyond the assayed region for this gene and therefore may encompass additional genes. A similar copy number variant has been observed in individual(s) with maple syrup urine disease (PMID: 29740478). For these reasons, this variant has been classified as Pathogenic.

Literature cited by the submitters: PubMed 16786533; PubMed 22593002; PubMed 29740478.

NC_000006.11:g.(?_79650410)_(81053521_?)del

Genes: BCKDHB (branched chain keto acid dehydrogenase E1 subunit beta; plus strand), ELOVL4 (ELOVL fatty acid elongase 4; minus strand), HMGN3 (high mobility group nucleosomal binding domain 3; minus strand), LCA5 (lebercilin LCA5; minus strand), LINC01621 (long intergenic non-protein coding RNA 1621; minus strand) and 3 more. Cytogenetic location: 6q14.1.
Variant type: Deletion.
Identifiers: ClinVar variation 3245949 (VCV003245949.1).